The following is an entry in ClinVar:

ClinVar aggregate classification (germline): Uncertain significance. Review status: criteria provided, multiple submitters, no conflicts (2 of 4 stars). 2 submissions from 2 submitters: Uncertain significance (2). Last evaluated 2025-06-25.

Conditions:
Inborn genetic diseases. Identifiers: MedGen C0950123, MeSH D030342.

gnomAD v4.1: 1 of 1,610,088 alleles (0.000062%); highest among the groups gnomAD compares: Non-Finnish European, 0.000085%; no homozygotes.

Submissions (2):

Labcorp Genetics (formerly Invitae), Labcorp
Classification: Uncertain significance. Last evaluated: 2025-06-25. Review status: criteria provided, single submitter. Criteria: Invitae Variant Classification Sherloc (09022015). Collection method: clinical testing. Allele origin: germline.
Comment: This sequence change replaces tyrosine, which is neutral and polar, with cysteine, which is neutral and slightly polar, at codon 273 of the MYO6 protein (p.Tyr273Cys). This variant is not present in population databases (gnomAD no frequency). This variant has not been reported in the literature in individuals affected with MYO6-related conditions. ClinVar contains an entry for this variant (Variation ID: 3401627). Experimental studies and prediction algorithms are not available or were not evaluated, and the functional significance of this variant is currently unknown. In summary, the available evidence is currently insufficient to determine the role of this variant in disease. Therefore, it has been classified as a Variant of Uncertain Significance.

Ambry Genetics
Classification: Uncertain significance for Inborn genetic diseases. Last evaluated: 2024-08-05. Review status: criteria provided, single submitter. Criteria: Ambry Variant Classification Scheme 2023. Collection method: clinical testing. Allele origin: germline.

NM_004999.4(MYO6):c.818A>G (p.Tyr273Cys)

Gene: MYO6 (myosin VI; plus strand). Cytogenetic location: 6q14.1.
Variant type: single nucleotide variant.
Coding change: c.818A>G on transcript NM_004999.4 (MANE Select); coding-DNA position 818, A replaced by G.
Protein change: p.Tyr273Cys; replaces tyrosine 273 with cysteine.
Molecular consequence: missense variant. On other transcripts: non-coding transcript variant (1).
Genome position (GRCh38, 1-based): chr6:75,844,898, A>G. VCF-style: chr6-75844898-A-G. GRCh37 (hg19) VCF-style: chr6-76554615-A-G.
Other names: c.818A>G, p.Tyr273Cys (NM_001368136.1, NM_001368137.1, NM_001368865.1 and 2 more transcripts); c.803A>G, p.Tyr268Cys (NM_001368138.1); short protein forms Y273C, Y268C.
Identifiers: ClinVar variation 3401627 (VCV003401627.2).